The following is an entry in ClinVar:

NM_001482.3(GATM):c.655G>A (p.Ala219Thr)

Gene: GATM (glycine amidinotransferase; minus strand). Cytogenetic location: 15q21.1.
Variant type: single nucleotide variant.
Coding change: c.655G>A on transcript NM_001482.3 (MANE Select); coding-DNA position 655, G replaced by A.
Protein change: p.Ala219Thr; replaces alanine 219 with threonine.
Molecular consequence: missense variant.
Genome position (GRCh38, 1-based): chr15:45,368,090, C>T on the plus strand (G>A on the coding strand, the complement: GATM is on the minus strand). VCF-style: chr15-45368090-C-T. GRCh37 (hg19) VCF-style: chr15-45660288-C-T.
Other names: c.268G>A, p.Ala90Thr (NM_001321015.2); short protein forms A219T, A90T.
Identifiers: ClinVar variation 225917 (VCV000225917.7), dbSNP rs369580400, ClinGen allele CA7542882.

ClinVar aggregate classification (germline): Uncertain significance (1 of 4 stars; one submission).

Conditions:
Arginine:glycine amidinotransferase deficiency (CCDS3). Also called: L-Arginine:Glycine Amidinotransferase Deficiency; Cerebral creatine deficiency syndrome 3; L-Arginine:Glycine Amidinotransferase (AGAT) Deficiency; AGAT deficiency; Creatine deficiency syndrome due to AGAT deficiency; GATM deficiency. Identifiers: Orphanet 35704, MedGen C2675179, MONDO:0012996, OMIM 612718.

Allele frequency attached by ClinVar (database versions not stated): gnomAD exomes below 0.00001 and 0.00001; ExAC 0.00001; gnomAD 0.00002; TOPMed 0.00003; ESP Exome Variant Server 0.00008.
gnomAD v4.1: 11 of 1,613,944 alleles (0.00068%); highest among the groups gnomAD compares: African/African-American, 0.011%; no homozygotes.

Submissions (2):

Labcorp Genetics (formerly Invitae), Labcorp
Classification: Uncertain significance for Arginine:glycine amidinotransferase deficiency. Last evaluated: 2025-09-10. Review status: criteria provided, single submitter. Criteria: Invitae Variant Classification Sherloc (09022015). Collection method: clinical testing. Allele origin: germline.
Comment: This sequence change replaces alanine, which is neutral and non-polar, with threonine, which is neutral and polar, at codon 219 of the GATM protein (p.Ala219Thr). This variant is present in population databases (rs369580400, gnomAD 0.0009%). This variant has not been reported in the literature in individuals affected with GATM-related conditions. ClinVar contains an entry for this variant (Variation ID: 225917). Invitae Evidence Modeling of protein sequence and biophysical properties (such as structural, functional, and spatial information, amino acid conservation, physicochemical variation, residue mobility, and thermodynamic stability) indicates that this missense variant is not expected to disrupt GATM protein function with a negative predictive value of 95%. Experimental studies have shown that this missense change does not substantially affect GATM function (PMID: 27233232). In summary, the available evidence is currently insufficient to determine the role of this variant in disease. Therefore, it has been classified as a Variant of Uncertain Significance.

Hospital for Sick Children
No classification provided (evidence only). Review status: no classification provided. Collection method: in vitro. Allele origin: not applicable. Functional consequence: no known functional consequence. Not counted in ClinVar's aggregate classification.
ClinVar note: "not provided" was previously submitted as the classification for the variant. However, the classification appeared to be based only on an observation of functional data so it was converted to no classification on 2025-07-30.

Literature cited by the submitters: PubMed 27233232 (cited by Labcorp Genetics (formerly Invitae), Labcorp and Hospital for Sick Children).